The following is an entry in ClinVar:

ClinVar aggregate classification (germline): Uncertain significance. Review status: criteria provided, multiple submitters, no conflicts (2 of 4 stars). 2 submissions from 2 submitters: Uncertain significance (2). Last evaluated 2024-09-17.

Conditions:
Hereditary cancer-predisposing syndrome. Also called: Tumor predisposition; Hereditary Cancer Syndrome; Hereditary neoplastic syndrome; Neoplastic Syndromes, Hereditary. Identifiers: Orphanet 140162, MedGen C0027672, MeSH D009386, MONDO:0015356.
Hereditary pheochromocytoma and paraganglioma. Also called: Hereditary paragangliomas and pheochromocytomas; Hereditary Paraganglioma-Pheochromocytoma Syndromes; Hereditary pheochromocytoma-paraganglioma. Identifiers: Orphanet 29072, MedGen C4274332, MONDO:0017366.

Submissions (2):

Labcorp Genetics (formerly Invitae), Labcorp
Classification: Uncertain significance for Hereditary pheochromocytoma and paraganglioma. Last evaluated: 2024-09-17. Review status: criteria provided, single submitter. Criteria: Invitae Variant Classification Sherloc (09022015). Collection method: clinical testing. Allele origin: germline.
Comment: This sequence change replaces methionine, which is neutral and non-polar, with isoleucine, which is neutral and non-polar, at codon 74 of the MAX protein (p.Met74Ile). This variant is not present in population databases (gnomAD no frequency). This variant has not been reported in the literature in individuals affected with MAX-related conditions. ClinVar contains an entry for this variant (Variation ID: 1788086). An algorithm developed to predict the effect of missense changes on protein structure and function (PolyPhen-2) suggests that this variant is likely to be disruptive. In summary, the available evidence is currently insufficient to determine the role of this variant in disease. Therefore, it has been classified as a Variant of Uncertain Significance.

Ambry Genetics
Classification: Uncertain significance for Hereditary cancer-predisposing syndrome. Last evaluated: 2022-04-11. Review status: criteria provided, single submitter. Criteria: Ambry Variant Classification Scheme 2023. Collection method: clinical testing. Allele origin: germline.
Comment: The p.M74I variant (also known as c.222G>A), located in coding exon 4 of the MAX gene, results from a G to A substitution at nucleotide position 222. The methionine at codon 74 is replaced by isoleucine, an amino acid with highly similar properties. This amino acid position is conserved. In addition, this alteration is predicted to be deleterious by in silico analysis. Since supporting evidence is limited at this time, the clinical significance of this alteration remains unclear.

NM_002382.5(MAX):c.222G>A (p.Met74Ile)

Gene: MAX (MYC associated transcriptional regulator X; minus strand). Cytogenetic location: 14q23.3.
Variant type: single nucleotide variant.
Coding change: c.222G>A on transcript NM_002382.5 (MANE Select); coding-DNA position 222, G replaced by A.
Protein change: p.Met74Ile; replaces methionine 74 with isoleucine.
Molecular consequence: missense variant. On other transcripts: 5 prime UTR variant (1), intron variant (2).
Genome position (GRCh38, 1-based): chr14:65,077,986, C>T on the plus strand (G>A on the coding strand, the complement: MAX is on the minus strand). VCF-style: chr14-65077986-C-T. GRCh37 (hg19) VCF-style: chr14-65544704-C-T.
Other names: c.-53G>A (NM_001320415.2, NM_001407105.1, NM_001407106.1 and 1 more transcripts); c.222G>A, p.Met74Ile (NM_001407094.1, NM_001407096.1, NM_001407097.1 and 3 more transcripts); c.195G>A, p.Met65Ile (NM_001407095.1, NM_001407099.1, NM_001407100.1 and 6 more transcripts); c.114G>A, p.Met38Ile (NM_001407098.1); c.-146G>A (NM_001407111.1, NM_001407112.1); c.144+15722G>A (NM_001271069.2); c.171+15722G>A (NM_197957.4); short protein forms M65I, M38I, M74I.
Identifiers: ClinVar variation 1788086 (VCV001788086.7), dbSNP rs2139754599, ClinGen allele CA390035749.